The following is an entry in ClinVar:

ClinVar aggregate classification (germline): Uncertain significance (1 of 4 stars; one submission).

Conditions:
CREBBP-related disorder. Also called: CREBBP-related condition; CREBBP-related disorders.

gnomAD v4.1: 2 of 1,613,920 alleles (0.00012%); highest among the groups gnomAD compares: African/African-American, 0.0027%; no homozygotes.

Submission:

PreventionGenetics, part of Exact Sciences
Classification: Uncertain significance for CREBBP-related condition. Last evaluated: 2025-07-30. Review status: criteria provided, single submitter. Criteria: ACMG Guidelines, 2015. Collection method: clinical testing. Allele origin: germline.
Comment: The CREBBP c.6526C>G variant is predicted to result in the amino acid substitution p.Pro2176Ala. To our knowledge, this variant has not been reported in the literature or in a large population database (gnomAD), indicating this variant is rare. At this time, the clinical significance of this variant is uncertain due to the absence of conclusive functional and genetic evidence.

NM_004380.3(CREBBP):c.6526C>G (p.Pro2176Ala)

Gene: CREBBP (CREB binding lysine acetyltransferase; minus strand). Cytogenetic location: 16p13.3.
Variant type: single nucleotide variant.
Coding change: c.6526C>G on transcript NM_004380.3 (MANE Select); coding-DNA position 6526, C replaced by G.
Protein change: p.Pro2176Ala; replaces proline 2176 with alanine.
Molecular consequence: missense variant.
Genome position (GRCh38, 1-based): chr16:3,728,521, G>C on the plus strand (C>G on the coding strand, the complement: CREBBP is on the minus strand). VCF-style: chr16-3728521-G-C. GRCh37 (hg19) VCF-style: chr16-3778522-G-C.
Other names: c.6412C>G, p.Pro2138Ala (NM_001079846.1); short protein forms P2138A, P2176A.
Identifiers: ClinVar variation 4983133 (VCV004983133.1).